The following is an entry in ClinVar:

ClinVar aggregate classification (germline): Uncertain significance (1 of 4 stars; one submission).

Conditions:
Pheochromocytoma. Also called: MAX-Related Hereditary Paraganglioma-Pheochromocytoma Syndrome. Identifiers: Orphanet 29072, MedGen C0031511, MONDO:0008233, OMIM 171300, HP:0002666.
Gastrointestinal stromal tumor. Also called: Gastrointestinal stroma tumor; Gastrointestinal stromal tumor, somatic. Identifiers: Orphanet 44890, MedGen C0238198, MeSH D046152, MONDO:0011719, OMIM 606764, HP:0100723.
Pheochromocytoma/paraganglioma syndrome 4. Also called: CAROTID BODY TUMORS AND MULTIPLE EXTRAADRENAL PHEOCHROMOCYTOMAS; PARAGANGLIOMA, FAMILIAL MALIGNANT; PARAGANGLIOMAS, HEREDITARY EXTRAADRENAL; PHEOCHROMOCYTOMA, FAMILIAL EXTRAADRENAL; Paragangliomas 4; SDHB-Related Hereditary Paraganglioma-Pheochromocytoma Syndrome (Paragangliomas 4). Identifiers: Orphanet 29072, MedGen C1861848, MONDO:0007273, OMIM 115310.

Submission:

Labcorp Genetics (formerly Invitae), Labcorp
Classification: Uncertain significance for Gastrointestinal stromal tumor; Pheochromocytoma/paraganglioma syndrome 4; Pheochromocytoma. Last evaluated: 2025-02-18. Review status: criteria provided, single submitter. Criteria: Invitae Variant Classification Sherloc (09022015). Collection method: clinical testing. Allele origin: germline.
Comment: This sequence change replaces tyrosine, which is neutral and polar, with phenylalanine, which is neutral and non-polar, at codon 61 of the SDHB protein (p.Tyr61Phe). This variant is not present in population databases (gnomAD no frequency). This variant has not been reported in the literature in individuals affected with SDHB-related conditions. Invitae Evidence Modeling of protein sequence and biophysical properties (such as structural, functional, and spatial information, amino acid conservation, physicochemical variation, residue mobility, and thermodynamic stability) indicates that this missense variant is not expected to disrupt SDHB protein function with a negative predictive value of 80%. In summary, the available evidence is currently insufficient to determine the role of this variant in disease. Therefore, it has been classified as a Variant of Uncertain Significance.

NM_003000.3(SDHB):c.182A>T (p.Tyr61Phe)

Gene: SDHB (succinate dehydrogenase complex iron sulfur subunit B; minus strand). Cytogenetic location: 1p36.13.
Variant type: single nucleotide variant.
Coding change: c.182A>T on transcript NM_003000.3 (MANE Select); coding-DNA position 182, A replaced by T.
Protein change: p.Tyr61Phe; replaces tyrosine 61 with phenylalanine.
Molecular consequence: missense variant.
Genome position (GRCh38, 1-based): chr1:17,044,779, T>A on the plus strand (A>T on the coding strand, the complement: SDHB is on the minus strand). VCF-style: chr1-17044779-T-A. GRCh37 (hg19) VCF-style: chr1-17371274-T-A.
Other names: c.182A>T, p.Tyr61Phe (NM_001407361.1); short protein forms Y61F.
Identifiers: ClinVar variation 4782829 (VCV004782829.1).